The following is an entry in ClinVar:

ClinVar aggregate classification (germline): Likely benign (1 of 4 stars; one submission).

gnomAD v4.1: 3 of 1,570,760 alleles (0.00019%); highest among the groups gnomAD compares: Non-Finnish European, 0.00026%; no homozygotes.

Submission:

CeGaT Center for Human Genetics Tuebingen
Classification: Likely benign. Last evaluated: 2026-02-01. Review status: criteria provided, single submitter. Criteria: CeGaT Center For Human Genetics Tuebingen Variant Classification Criteria Version 2. Collection method: clinical testing. Allele origin: germline. Affected: yes. Observed: 1 variant allele.
Comment: NBEA: BS2

NM_001385012.1(NBEA):c.6094G>T (p.Asp2032Tyr)

Gene: NBEA (neurobeachin; plus strand). Cytogenetic location: 13q13.3.
Variant type: single nucleotide variant.
Coding change: c.6094G>T on transcript NM_001385012.1 (MANE Select); coding-DNA position 6094, G replaced by T.
Protein change: p.Asp2032Tyr; replaces aspartic acid 2032 with tyrosine.
Molecular consequence: missense variant.
Genome position (GRCh38, 1-based): chr13:35,352,238, G>T. VCF-style: chr13-35352238-G-T. GRCh37 (hg19) VCF-style: chr13-35926375-G-T.
Other names: c.6085G>T, p.Asp2029Tyr (NM_001379245.1); c.6094G>T, p.Asp2032Tyr (NM_015678.5); short protein forms D2029Y, D2032Y.
Identifiers: ClinVar variation 4823467 (VCV004823467.4).